The following is an entry in ClinVar:

ClinVar aggregate classification (germline): Pathogenic (1 of 4 stars; one submission).

Conditions:
Familial thoracic aortic aneurysm and aortic dissection (TAAD). Also called: Thoracic aortic aneurysms and dissections. Identifiers: Orphanet 91387, MedGen C4707243, MONDO:0019625.

Submission:

Labcorp Genetics (formerly Invitae), Labcorp
Classification: Pathogenic for Familial thoracic aortic aneurysm and aortic dissection. Last evaluated: 2021-06-18. Review status: criteria provided, single submitter. Criteria: Invitae Variant Classification Sherloc (09022015). Collection method: clinical testing. Allele origin: germline.
Comment: This variant has been observed in individual(s) with Loeys-Dietz syndrome (PMID: 21484991). In at least one individual the variant was observed to be de novo. This variant is not present in population databases (ExAC no frequency). This sequence change replaces cysteine with arginine at codon 520 of the TGFBR2 protein (p.Cys520Arg). The cysteine residue is highly conserved and there is a large physicochemical difference between cysteine and arginine. Advanced modeling of protein sequence and biophysical properties (such as structural, functional, and spatial information, amino acid conservation, physicochemical variation, residue mobility, and thermodynamic stability) performed at Invitae indicates that this missense variant is expected to disrupt TGFBR2 protein function. For these reasons, this variant has been classified as Pathogenic. This variant disrupts the p.Cys520 amino acid residue in TGFBR2. Other variant(s) that disrupt this residue have been observed in individuals with TGFBR2-related conditions (PMID: 20681224), which suggests that this may be a clinically significant amino acid residue.

Literature cited by the submitters: PubMed 21484991; PubMed 20681224.

NM_003242.6(TGFBR2):c.1558T>C (p.Cys520Arg)

Gene: TGFBR2 (transforming growth factor beta receptor 2; plus strand). Cytogenetic location: 3p24.1.
Variant type: single nucleotide variant.
Coding change: c.1558T>C on transcript NM_003242.6 (MANE Select); coding-DNA position 1558, T replaced by C.
Protein change: p.Cys520Arg; replaces cysteine 520 with arginine.
Molecular consequence: missense variant.
Genome position (GRCh38, 1-based): chr3:30,691,453, T>C. VCF-style: chr3-30691453-T-C. GRCh37 (hg19) VCF-style: chr3-30732945-T-C.
Other names: c.1633T>C, p.Cys545Arg (NM_001024847.3); c.1741T>C, p.Cys581Arg (NM_001407126.1); c.1666T>C, p.Cys556Arg (NM_001407127.1); c.1585T>C, p.Cys529Arg (NM_001407128.1); c.1561T>C, p.Cys521Arg (NM_001407129.1); c.1555T>C, p.Cys519Arg (NM_001407130.1); c.1453T>C, p.Cys485Arg (NM_001407132.1, NM_001407133.1, NM_001407134.1 and 2 more transcripts); c.1273T>C, p.Cys425Arg (NM_001407137.1); and 2 more; short protein forms C545R, C520R, C519R, C485R, C529R, C556R, C230R, C425R.
Identifiers: ClinVar variation 1386703 (VCV001386703.9), dbSNP rs2125455193, ClinGen allele CA351809551.
Genomic context (GRCh38, chr3:30,691,453, plus strand): 5'-GCCCTTTGGATCTCTTTCCCGCTACAGGGCATCCAGATGGTGTGTGAGACGTTGACTGAG[T>C]GCTGGGACCACGACCCAGAGGCCCGTCTCACAGCCCAGTGTGTGGCAGAACGCTTCAGTG-3'
Protein context (NP_003233.4, residues 510-530): IQMVCETLTE[Cys520Arg]WDHDPEARLT